The following is an entry in ClinVar:

NM_000090.4(COL3A1):c.536dup (p.Gly180fs)

Gene: COL3A1 (collagen type III alpha 1 chain; plus strand). Cytogenetic location: 2q32.2.
Variant type: Duplication.
Coding change: c.536dup on transcript NM_000090.4 (MANE Select); coding-DNA position 536, one base duplicated (C; older notation c.536dupC).
Protein change: p.Gly180fs; shifts the reading frame from glycine 180.
Molecular consequence: frameshift variant.
Genome position (GRCh38, 1-based): chr2:188,988,088, C duplicated; the last of 6 consecutive C bases (chr2:188,988,083-188,988,088); duplicating any one gives the same sequence. VCF-style (leftmost placement, unchanged base first): chr2-188988082-G-GC. GRCh37 (hg19) VCF-style: chr2-189852808-G-GC.
Other names: short protein forms G180fs.
Identifiers: ClinVar variation 1301194 (VCV001301194.3), dbSNP rs1553507180, ClinGen allele CA2573051815.

ClinVar aggregate classification (germline): Pathogenic/Likely pathogenic. Review status: criteria provided, multiple submitters, no conflicts (2 of 4 stars). 2 submissions from 2 submitters: Pathogenic (1); Likely pathogenic (1). Last evaluated 2023-02-23.

Conditions:
COL3A1-related disorder. Also called: COL3A1-related condition.

Submissions (2):

Blueprint Genetics
Classification: Likely pathogenic for COL3A1-related disorders. Last evaluated: 2023-02-23. Review status: criteria provided, single submitter. Criteria: ACMG Guidelines, 2015. Collection method: clinical testing. Allele origin: germline. Affected: yes. Observed: 4 variant alleles.

GeneDx
Classification: Pathogenic. Last evaluated: 2021-09-21. Review status: criteria provided, single submitter. Criteria: GeneDx Variant Classification Process June 2021. Collection method: clinical testing. Allele origin: germline. Affected: yes.
Comment: Frameshift variant predicted to result in protein truncation or nonsense mediated decay in a gene for which loss-of-function is a known mechanism of disease; Not observed at significant frequency in large population cohorts (Lek et al., 2016); Has not been previously published as pathogenic or benign to our knowledge